The following is an entry in ClinVar:

NM_017780.4(CHD7):c.4437G>C (p.Gly1479=)

Gene: CHD7 (chromodomain helicase DNA binding protein 7; plus strand). Cytogenetic location: 8q12.2.
Variant type: single nucleotide variant.
Coding change: c.4437G>C on transcript NM_017780.4 (MANE Select); coding-DNA position 4437, G replaced by C.
Protein change: p.Gly1479=; no amino-acid change (glycine 1479 retained).
Molecular consequence: synonymous variant. On other transcripts: intron variant (1).
Genome position (GRCh38, 1-based): chr8:60,838,159, G>C. VCF-style: chr8-60838159-G-C. GRCh37 (hg19) VCF-style: chr8-61750718-G-C.
Other names: c.1717-24070G>C (NM_001316690.1).
Identifiers: ClinVar variation 3353934 (VCV003353934.1).
Genomic context (GRCh38, chr8:60,838,159, plus strand): 5'-AATAGAGGATCTTCTACGAAAAGGGGCCTATGGTGCACTCATGGATGAGGAGGATGAAGG[G>C]TCTAAATTCTGTGAAGAAGATATTGATCAGATCCTCCTACGTCGAACCCACACCATTACC-3'
Protein context (NP_060250.2, residues 1469-1489): YGALMDEEDE[Gly1479=]SKFCEEDIDQ

ClinVar aggregate classification (germline): Likely benign (0 of 4 stars; one submission).

Conditions:
CHD7-related disorder. Also called: CHD7-related condition.

Submission:

PreventionGenetics, part of Exact Sciences
Classification: Likely benign for CHD7-related condition. Last evaluated: 2024-03-28. Review status: no assertion criteria provided. Collection method: clinical testing. Allele origin: germline.
Comment: This variant is classified as likely benign based on ACMG/AMP sequence variant interpretation guidelines (Richards et al. 2015 PMID: 25741868, with internal and published modifications).